The following is an entry in ClinVar:

NM_007373.4(SHOC2):c.894A>C (p.Ala298=)

Gene: SHOC2 (SHOC2 leucine rich repeat scaffold protein; plus strand). Cytogenetic location: 10q25.2.
Variant type: single nucleotide variant.
Coding change: c.894A>C on transcript NM_007373.4 (MANE Select); coding-DNA position 894, A replaced by C.
Protein change: p.Ala298=; no amino-acid change (alanine 298 retained).
Molecular consequence: synonymous variant. On other transcripts: non-coding transcript variant (1).
Genome position (GRCh38, 1-based): chr10:111,000,467, A>C. VCF-style: chr10-111000467-A-C. GRCh37 (hg19) VCF-style: chr10-112760225-A-C.
Other names: NM_007373.3(SHOC2):c.894A>C; c.756A>C, p.Ala252= (NM_001269039.3); c.894A>C, p.Ala298= (NM_001324336.2, NM_001324337.2).
Identifiers: ClinVar variation 448935 (VCV000448935.10), dbSNP rs767912952, ClinGen allele CA5689680.

ClinVar aggregate classification (germline): Benign. Review status: reviewed by expert panel (3 of 4 stars). 5 submissions from 5 submitters: Benign (1). 4 of the submissions do not count toward it. Last evaluated 2017-04-18.

Conditions:
Cardiovascular phenotype. Identifiers: MedGen CN230736.
RASopathy. Also called: Noonan spectrum disorder; rasopathies. Identifiers: Orphanet 536391, MedGen C5555857, MONDO:0021060.

Allele frequency attached by ClinVar (database versions not stated): gnomAD exomes 0.00001 and 0.00006; gnomAD 0.00002 and 0.00003; TOPMed 0.00003; ExAC 0.00007.
gnomAD v4.1: 19 of 1,613,006 alleles (0.0012%); highest among the groups gnomAD compares: East Asian, 0.042%; no homozygotes.

Submissions (5):

ClinGen RASopathy Variant Curation Expert Panel
Classification: Benign for Noonan syndrome and Noonan-related syndrome. Last evaluated: 2017-04-18. Review status: reviewed by expert panel. Criteria: ClinGen RASopathy ACMG Specifications v1. Collection method: curation. Allele origin: germline. Inheritance: Autosomal dominant inheritance.
Comment: The filtering allele frequency of the c.894A>C (p.Ala298=) variant in the SHOC2 gene is 0.054% (9/8648) of East Asian chromosomes by the Exome Aggregation Consortium, which is a high enough frequency to be classified as benign based on thresholds defined by the ClinGen RASopathy Expert Panel (BA1; PMID:29493581)

Labcorp Genetics (formerly Invitae), Labcorp
Classification: Benign for RASopathy. Last evaluated: 2025-09-10. Review status: criteria provided, single submitter. Criteria: Invitae Variant Classification Sherloc (09022015). Collection method: clinical testing. Allele origin: germline. Not counted in ClinVar's aggregate classification.

Blueprint Genetics
Classification: Likely benign. Last evaluated: 2023-08-11. Review status: criteria provided, single submitter. Criteria: ACMG Guidelines, 2015. Collection method: clinical testing. Allele origin: germline. Not counted in ClinVar's aggregate classification.

Women's Health and Genetics/Laboratory Corporation of America, LabCorp
Classification: Benign. Last evaluated: 2020-11-09. Review status: criteria provided, single submitter. Criteria: LabCorp Variant Classification Summary - May 2015. Collection method: clinical testing. Allele origin: germline. Not counted in ClinVar's aggregate classification.

Ambry Genetics
Classification: Likely benign for Cardiovascular phenotype. Last evaluated: 2020-03-29. Review status: criteria provided, single submitter. Criteria: Ambry Variant Classification Scheme 2023. Collection method: clinical testing. Allele origin: germline. Not counted in ClinVar's aggregate classification.